The following is an entry in ClinVar:

ClinVar aggregate classification (germline): Conflicting classifications of pathogenicity. Review status: criteria provided, conflicting classifications (1 of 4 stars). 10 submissions from 10 submitters: Uncertain significance (4); Likely benign (4). 2 of the submissions do not count toward it. Last evaluated 2025-09-22.

Conditions:
Hereditary cancer-predisposing syndrome. Also called: Tumor predisposition; Hereditary Cancer Syndrome; Neoplastic Syndromes, Hereditary; Hereditary neoplastic syndrome. Identifiers: Orphanet 140162, MedGen C0027672, MeSH D009386, MONDO:0015356.
Hereditary breast ovarian cancer syndrome. Also called: Breast and ovarian cancer; Hereditary breast and ovarian cancer; Hereditary breast and ovarian cancer syndrome; BRCA1- and BRCA2-Associated Hereditary Breast and Ovarian Cancer; Hereditary breast and ovarian cancer syndrome (HBOC); Hereditary breast and/or ovarian cancer syndrome. Identifiers: Orphanet 145, MedGen C0677776, MeSH D061325, MONDO:0003582. Disease mechanism: loss of function.
Breast-ovarian cancer, familial, susceptibility to, 2 (BROVCA2). Also called: BRCA2 Hereditary Breast and Ovarian Cancer. Identifiers: Orphanet 145, MedGen C2675520, MONDO:0012933, OMIM 612555. Disease mechanism: loss of function.

gnomAD v4.1: 3 of 1,608,968 alleles (0.00019%); highest among the groups gnomAD compares: Non-Finnish European, 0.00025%; no homozygotes.

Submissions (10):

Labcorp Genetics (formerly Invitae), Labcorp
Classification: Likely benign for Hereditary breast ovarian cancer syndrome. Last evaluated: 2025-09-22. Review status: criteria provided, single submitter. Criteria: Invitae Variant Classification Sherloc (09022015). Collection method: clinical testing. Allele origin: germline.

Women's Health and Genetics/Laboratory Corporation of America, LabCorp
Classification: Uncertain significance. Last evaluated: 2025-04-28. Review status: criteria provided, single submitter. Criteria: LabCorp Variant Classification Summary - May 2015. Collection method: clinical testing. Allele origin: germline.
Comment: Variant summary: BRCA2 c.6323G>T (p.Arg2108Leu) results in a non-conservative amino acid change in the encoded protein sequence. Four of five in-silico tools predict a benign effect of the variant on protein function. The frequency data for this variant in gnomAD is considered unreliable, as metrics indicate poor data quality at this position. c.6323G>T has been reported in the literature in individuals affected with breast cancer before 30, prostate cancer (Pajares_2018) and in a study of individuals with a personal and/or family history of BRCA-related cancers (Pirim_2020). These report(s) do not provide unequivocal conclusions about association of the variant with Hereditary Breast And Ovarian Cancer Syndrome. At-least one co-occurrence with another pathogenic variant has been reported in the UMD database (BRCA1 c.4065_4068delTCAA, p.Asn1355LysfsX10), providing supporting evidence for a benign role. To our knowledge, no experimental evidence demonstrating an impact on protein function has been reported. ClinVar contains an entry for this variant (Variation ID: 91444). Based on the evidence outlined above, the variant was classified as VUS-possibly benign.

Quest Diagnostics Nichols Institute San Juan Capistrano
Classification: Uncertain significance. Last evaluated: 2023-06-22. Review status: criteria provided, single submitter. Criteria: Quest Diagnostics criteria. Collection method: clinical testing. Allele origin: unknown.
Comment: In the published literature, this variant has been reported in individuals and families with a BRCA2 related disorder (PMID: 29884136 (2016), 32599251 (2020)). This variant is also located in a region of the BRCA2 gene that is tolerant to missense sequence changes (PMID: 31911673 (2020)). In a large-scale breast cancer association study, the variant was observed in individuals with breast cancer as well as in unaffected individuals (PMID: 33471991 (2021), see also LOVD). This variant has not been reported in large, multi-ethnic general populations (Genome Aggregation Database). Analysis of this variant using bioinformatics tools for the prediction of the effect of amino acid changes on protein structure and function yielded predictions that this variant is benign. Based on the available information, we are unable to determine the clinical significance of this variant.

University of Washington Department of Laboratory Medicine, University of Washington
Classification: Likely benign for Hereditary cancer-predisposing syndrome. Last evaluated: 2023-03-23. Review status: criteria provided, single submitter. Criteria: Dines et al. (Genet Med. 2020). Collection method: curation. Allele origin: germline.
Comment: Missense variant in a coldspot region where missense variants are very unlikely to be pathogenic (PMID:31911673).

BRCA2 exon 11 coldspot. Reclassification based on statistical prior probability.

Color Diagnostics, LLC DBA Color Health
Classification: Uncertain significance for Hereditary cancer-predisposing syndrome. Last evaluated: 2021-12-06. Review status: criteria provided, single submitter. Criteria: ACMG Guidelines, 2015. Collection method: clinical testing. Allele origin: germline.
Comment: This missense variant replaces arginine with leucine at codon 2108 of the BRCA2 protein. Computational prediction suggests that this variant may not impact protein structure and function (internally defined REVEL score threshold <= 0.5, PMID: 27666373). To our knowledge, functional studies have not been reported for this variant. This variant has been reported in one individual affected with breast cancer and three individuals affected with prostate cancer, however, one of the individuals also has a pathogenic allele in BRCA1 (PMID: 29884136). This variant also has been detected in a breast cancer case-control meta-analysis in 0/60463 cases and 1/53461 unaffected individuals (PMID: 33471991; Leiden Open Variation Database DB-ID BRCA2_001051). A multifactorial analysis reported co-occurrence and family history likelihood ratios for pathogenicity of 1.0246 and 1.7649, respectively (PMID: 31131967). This variant has not been identified in the general population by the Genome Aggregation Database (gnomAD). The available evidence is insufficient to determine the role of this variant in disease conclusively. Therefore, this variant is classified as a Variant of Uncertain Significance.

GeneDx
Classification: Likely benign. Last evaluated: 2021-05-05. Review status: criteria provided, single submitter. Criteria: GeneDx Variant Classification Process June 2021. Collection method: clinical testing. Allele origin: germline. Affected: yes.
Comment: Not observed at a significant frequency in large population cohorts (Lek et al., 2016); In silico analysis supports that this missense variant does not alter protein structure/function; This variant is associated with the following publications: (PMID: 29884136)

ARUP Laboratories, Molecular Genetics and Genomics, ARUP Laboratories
Classification: Uncertain significance. Last evaluated: 2020-02-27. Review status: criteria provided, single submitter. Criteria: ARUP Molecular Germline Variant Investigation Process. Collection method: clinical testing. Allele origin: germline.
Comment: The BRCA2 c.6323G>T; p.Arg2108Leu variant (rs35029074) is reported in the literature in individuals affected with breast or prostate cancer, but has also been identified in an individual with a pathogenic variant in BRCA1 (Pajares 2018). This variant is reported in ClinVar (Variation ID: 91444), but is absent from general population databases (Exome Variant Server, Genome Aggregation Database). The arginine at codon 2108 is weakly conserved, and computational analyses (SIFT, PolyPhen-2) predict that this variant is tolerated. Due to limited information, the clinical significance of the p.Arg2108Leu variant is uncertain at this time. References: Pajares B et al. Hereditary breast and ovarian cancer in Andalusian families: a genetic population study. BMC Cancer. 2018 Jun 8;18(1):647.

Ambry Genetics
Classification: Likely benign for Hereditary cancer-predisposing syndrome. Last evaluated: 2015-11-05. Review status: criteria provided, single submitter. Criteria: Ambry Variant Classification Scheme 2023. Collection method: clinical testing. Allele origin: germline.

Sharing Clinical Reports Project (SCRP)
Classification: Likely benign for Breast-ovarian cancer, familial 2. Last evaluated: 2012-03-08. Review status: no assertion criteria provided. Collection method: clinical testing. Allele origin: germline. Not counted in ClinVar's aggregate classification.

Breast Cancer Information Core (BIC) (BRCA2)
Classification: Uncertain significance for Breast-ovarian cancer, familial 2. Last evaluated: 2003-12-23. Review status: no assertion criteria provided. Collection method: clinical testing. Allele origin: germline. Affected: yes. Observed: 1 variant allele. Not counted in ClinVar's aggregate classification.

Literature cited by the submitters: PubMed 29884136 (cited by 3 submitters); PubMed 32599251 (cited by Women's Health and Genetics/Laboratory Corporation of America, LabCorp and Quest Diagnostics Nichols Institute San Juan Capistrano); PubMed 31911673 (cited by Quest Diagnostics Nichols Institute San Juan Capistrano); PubMed 33471991 (cited by Quest Diagnostics Nichols Institute San Juan Capistrano and Color Diagnostics, LLC DBA Color Health); PubMed 31131967 (cited by Color Diagnostics, LLC DBA Color Health).

NM_000059.4(BRCA2):c.6323G>T (p.Arg2108Leu)

Gene: BRCA2 (BRCA2 DNA repair associated; plus strand). Cytogenetic location: 13q13.1.
Variant type: single nucleotide variant.
Coding change: c.6323G>T on transcript NM_000059.4 (MANE Select); coding-DNA position 6323, G replaced by T.
Protein change: p.Arg2108Leu; replaces arginine 2108 with leucine.
Molecular consequence: missense variant.
Genome position (GRCh38, 1-based): chr13:32,340,678, G>T. VCF-style: chr13-32340678-G-T. GRCh37 (hg19) VCF-style: chr13-32914815-G-T.
Other names: 6551G>T; short protein forms R2108L.
Identifiers: ClinVar variation 91444 (VCV000091444.35), dbSNP rs35029074, ClinGen allele CA023908.